The following is an entry in ClinVar:

NM_007294.4(BRCA1):c.4262A>G (p.His1421Arg)

Gene: BRCA1 (BRCA1 DNA repair associated; minus strand). Cytogenetic location: 17q21.31.
Variant type: single nucleotide variant.
Coding change: c.4262A>G on transcript NM_007294.4 (MANE Select); coding-DNA position 4262, A replaced by G.
Protein change: p.His1421Arg; replaces histidine 1421 with arginine.
Molecular consequence: missense variant. On other transcripts: non-coding transcript variant (1).
Genome position (GRCh38, 1-based): chr17:43,082,499, T>C on the plus strand (A>G on the coding strand, the complement: BRCA1 is on the minus strand). VCF-style: chr17-43082499-T-C. GRCh37 (hg19) VCF-style: chr17-41234516-T-C.
Other names: p.H1421R:CAT>CGT; 4381A>G; c.4181A>G, p.His1394Arg (NM_001407656.1, NM_001407661.1, NM_001407662.1 and 1 more transcripts); c.4184A>G, p.His1395Arg (NM_001407657.1, NM_001407658.1, NM_001407655.1 and 2 more transcripts); c.4178A>G, p.His1393Arg (NM_001407659.1, NM_001407660.1); c.4139A>G, p.His1380Arg (NM_001407664.1, NM_001407677.1, NM_001407678.1 and 13 more transcripts); c.4136A>G, p.His1379Arg (NM_001407674.1, NM_001407675.1, NM_001407676.1 and 12 more transcripts); c.4121A>G, p.His1374Arg (NM_001407694.1, NM_001407695.1, NM_001407696.1 and 23 more transcripts); and 53 more; short protein forms H1421R, H318R, H1374R, H1293R, H1332R, H1373R, H1393R, H1420R.
Identifiers: ClinVar variation 55157 (VCV000055157.82), dbSNP rs80357079, ClinGen allele CA002740.
Genomic context (GRCh38, chr17:43,082,499, plus strand): 5'-TCCTCAAGGGCAGAAGAGTCACTTATGATGGAAGGGTAGCTGTTAGAAGGCTGGCTCCCA[T>C]GCTGTTCTAACACAGCTTCTAGTTCAGCCATTTCCTGCTGGAGCTTTATCAGGTTATGTT-3'
Protein context (NP_009225.1, residues 1411-1431): MAELEAVLEQ[His1421Arg]GSQPSNSYPS

ClinVar aggregate classification (germline): Conflicting classifications of pathogenicity. Review status: criteria provided, conflicting classifications (1 of 4 stars). 18 submissions from 18 submitters: Uncertain significance (10); Likely benign (6). 2 of the submissions do not count toward it. Last evaluated 2026-01-26.

Conditions:
BRCA1-related disorder. Also called: BRCA1-related condition.
Hereditary cancer-predisposing syndrome. Also called: Hereditary Cancer Syndrome; Hereditary neoplastic syndrome; Neoplastic Syndromes, Hereditary; Tumor predisposition. Identifiers: Orphanet 140162, MedGen C0027672, MeSH D009386, MONDO:0015356.
Hereditary breast ovarian cancer syndrome. Also called: BRCA1- and BRCA2-Associated Hereditary Breast and Ovarian Cancer; Hereditary breast and ovarian cancer syndrome; Hereditary breast and ovarian cancer syndrome (HBOC); Breast and ovarian cancer; Hereditary breast and/or ovarian cancer syndrome; Hereditary breast and ovarian cancer. Identifiers: Orphanet 145, MedGen C0677776, MeSH D061325, MONDO:0003582. Disease mechanism: loss of function.
Breast-ovarian cancer, familial, susceptibility to, 1 (BROVCA1). Also called: BRCA1 Hereditary Breast and Ovarian Cancer; OVARIAN CANCER, SUSCEPTIBILITY TO. Identifiers: Orphanet 145, MedGen C2676676, MONDO:0011450, OMIM 604370. Disease mechanism: loss of function.

Allele frequency attached by ClinVar (database versions not stated): TOPMed 0.00003; gnomAD exomes 0.00001; gnomAD 0.00003.

Submissions 1 to 11 of 18:

Labcorp Genetics (formerly Invitae), Labcorp
Classification: Likely benign for Hereditary breast ovarian cancer syndrome. Last evaluated: 2026-01-26. Review status: criteria provided, single submitter. Criteria: Invitae Variant Classification Sherloc (09022015). Collection method: clinical testing. Allele origin: germline.

PreventionGenetics, part of Exact Sciences
Classification: Likely benign for BRCA1-related condition. Last evaluated: 2026-01-09. Review status: criteria provided, single submitter. Criteria: ACMG Guidelines, 2015. Collection method: clinical testing. Allele origin: germline.
Comment: This variant is classified as likely benign based on ACMG/AMP sequence variant interpretation guidelines (Richards et al. 2015 PMID: 25741868, with internal and published modifications).

Women's Health and Genetics/Laboratory Corporation of America, LabCorp
Classification: Uncertain significance. Last evaluated: 2025-10-27. Review status: criteria provided, single submitter. Criteria: LabCorp Variant Classification Summary - May 2015. Collection method: clinical testing. Allele origin: germline.
Comment: Variant summary: BRCA1 c.4262A>G (p.His1421Arg) results in a non-conservative amino acid change in the encoded protein sequence. Algorithms developed to predict the effect of missense changes on protein structure and function are either unavailable or do not agree on the potential impact of this missense change. The variant was absent in 251434 control chromosomes. The available data on variant occurrences in the general population are insufficient to allow any conclusion about variant significance. c.4262A>G has been reported in the literature in individuals affected with Breast cancer without strong evidence for causality (Diaz-Zabala_2018, Guindalini_2022). These report(s) do not provide unequivocal conclusions about association of the variant with Hereditary Breast And Ovarian Cancer Syndrome. To our knowledge, no experimental evidence demonstrating an impact on protein function has been reported. The following publications have been ascertained in the context of this evaluation (PMID: 24845084, 30400234, 35264596, 31112341, 23704879, 28781887). ClinVar contains an entry for this variant (Variation ID: 55157). Based on the evidence outlined above, the variant was classified as uncertain significance.

Baylor Genetics
Classification: Uncertain significance for Breast-ovarian cancer, familial, susceptibility to, 1. Last evaluated: 2024-02-25. Review status: criteria provided, single submitter. Criteria: ACMG Guidelines, 2015. Collection method: clinical testing. Allele origin: unknown.

All of Us Research Program, National Institutes of Health
Classification: Likely benign for Breast-ovarian cancer, familial, susceptibility to, 1. Last evaluated: 2023-12-01. Review status: criteria provided, single submitter. Criteria: ACMG Guidelines, 2015. Collection method: clinical testing. Allele origin: germline. Inheritance: Autosomal dominant inheritance. Observed: 5 variant alleles, 5 heterozygotes.
Comment: This missense variant replaces histidine with arginine at codon 1421 of the BRCA1 protein. Computational prediction suggests that this variant may not impact protein structure and function (internally defined REVEL score threshold <= 0.5, PMID: 27666373). To our knowledge, functional studies have not been reported for this variant. This variant has been reported in three individuals affected with breast cancer and in a breast cancer case-control meta-analysis in 5/53456 unaffected individuals and absent in 60466 cases (PMID: 30400234, 33471991; Leiden Open Variation Database DB-ID BRCA1_001985). A multifactorial analysis has reported a family history likelihood ratio for pathogenicity from one pedigree as 0.2124 (PMID: 31131967). This variant has not been identified in the general population by the Genome Aggregation Database (gnomAD). The available evidence is insufficient to determine the role of this variant in disease conclusively. Therefore, this variant is classified as a Variant of Uncertain Significance.

This study involves interpretation of variants in research participants for the purpose of population health screening. Participant phenotype was not available at the time of variant classification. Additional details can be found in publication PMID: 35346344, PMCID: PMC8962531

St. Jude Molecular Pathology, St. Jude Children's Research Hospital
Classification: Uncertain significance for Breast-ovarian cancer, familial, susceptibility to, 1. Last evaluated: 2023-07-06. Review status: criteria provided, single submitter. Criteria: St. Jude Assertion Criteria 2020. Collection method: clinical testing. Allele origin: germline.
Comment: The BRCA1 c.4262A>G (p.His1421Arg) missense change is absent in gnomAD v2.1.1. The in silico tool REVEL predicts a benign effect on protein function, but to our knowledge this prediction has not been confirmed by functional studies. This variant has been reported in at least one individual with breast cancer, as well as in control individuals without a personal history of breast cancer (PMID: 30400234, 33471991). It is absent in a database of women older than 70 years of age who have never had cancer (FLOSSIES). In summary, the evidence currently available is insufficient to determine the clinical significance of this variant. It has therefore been classified as of uncertain significance.

Quest Diagnostics Nichols Institute San Juan Capistrano
Classification: Likely benign. Last evaluated: 2023-05-02. Review status: criteria provided, single submitter. Criteria: Quest Diagnostics criteria. Collection method: clinical testing. Allele origin: unknown.

GeneDx
Classification: Uncertain significance. Last evaluated: 2023-04-04. Review status: criteria provided, single submitter. Criteria: GeneDx Variant Classification Process June 2021. Collection method: clinical testing. Allele origin: germline. Affected: yes.
Comment: Not observed in large population cohorts (gnomAD); In silico analysis supports that this missense variant has a deleterious effect on protein structure/function; Observed in individuals with breast cancer (Diaz-Zabala 2018; Guindalini et al., 2022); Also know as 4381A>G; This variant is associated with the following publications: (PMID: 30400234, 23704879, 31112341, 35264596, 31131967, 29884841, 32377563, 15343273, 22737296, 19369211)

Color Diagnostics, LLC DBA Color Health
Classification: Likely benign for Hereditary cancer-predisposing syndrome. Last evaluated: 2022-10-24. Review status: criteria provided, single submitter. Criteria: ACMG Guidelines, 2015. Collection method: clinical testing. Allele origin: germline.

Mayo Clinic Laboratories, Mayo Clinic
Classification: Uncertain significance. Last evaluated: 2022-09-29. Review status: criteria provided, single submitter. Criteria: ACMG Guidelines, 2015. Collection method: clinical testing. Allele origin: germline. Observed: 1 variant allele.
Comment: BP4, PM2

Sema4
Classification: Uncertain significance for Hereditary cancer-predisposing syndrome. Last evaluated: 2021-11-10. Review status: criteria provided, single submitter. Criteria: Sema4 Curation Guidelines. Collection method: curation. Allele origin: germline.
Comment: The BRCA1 c.4262A>G (p.H1421R) variant has been reported in at least one individual with breast cancer, but has also been reported in healthy controls (PMID: 30400234, 33471991). It was not observed in the large and broad cohorts of the Genome Aggregation Database. The variant has been reported in ClinVar (Variation ID: 55157). Functional studies have not been performed, and in silico predictions of the variant's effect on protein function are inconclusive. The evidence is insufficient to meet ACMG/AMP criteria for classifying the variant as benign or pathogenic. Thus, the clinical significance of this variant is currently uncertain.